The following is an entry in ClinVar:

NM_000291.4(PGK1):c.323G>C (p.Cys108Ser)

Gene: PGK1 (phosphoglycerate kinase 1; plus strand). Cytogenetic location: Xq21.1.
Variant type: single nucleotide variant.
Coding change: c.323G>C on transcript NM_000291.4 (MANE Select); coding-DNA position 323, G replaced by C.
Protein change: p.Cys108Ser; replaces cysteine 108 with serine.
Molecular consequence: missense variant.
Genome position (GRCh38, 1-based): chrX:78,114,066, G>C. VCF-style: chrX-78114066-G-C. GRCh37 (hg19) VCF-style: chrX-77369563-G-C.
Other names: short protein forms C108S.
Identifiers: ClinVar variation 1949378 (VCV001949378.5), dbSNP rs782731050, ClinGen allele CA413719687.
Genomic context (GRCh38, chrX:78,114,066, plus strand): 5'-CTCTTCTCAGGGATGTTCTGTTCTTGAAGGACTGTGTAGGCCCAGAAGTGGAGAAAGCCT[G>C]TGCCAACCCAGCTGCTGGGTCTGTCATCCTGCTGGAGAACCTCCGCTTTCATGTGGAGGA-3'
Protein context (NP_000282.1, residues 98-118): DCVGPEVEKA[Cys108Ser]ANPAAGSVIL

ClinVar aggregate classification (germline): Uncertain significance (1 of 4 stars; one submission).

Submission:

Labcorp Genetics (formerly Invitae), Labcorp
Classification: Uncertain significance. Last evaluated: 2023-11-15. Review status: criteria provided, single submitter. Criteria: Invitae Variant Classification Sherloc (09022015). Collection method: clinical testing. Allele origin: germline.
Comment: This sequence change replaces cysteine, which is neutral and slightly polar, with serine, which is neutral and polar, at codon 108 of the PGK1 protein (p.Cys108Ser). This variant is not present in population databases (gnomAD no frequency). This variant has not been reported in the literature in individuals affected with PGK1-related conditions. ClinVar contains an entry for this variant (Variation ID: 1949378). Advanced modeling of protein sequence and biophysical properties (such as structural, functional, and spatial information, amino acid conservation, physicochemical variation, residue mobility, and thermodynamic stability) performed at Invitae indicates that this missense variant is not expected to disrupt PGK1 protein function with a negative predictive value of 80%. In summary, the available evidence is currently insufficient to determine the role of this variant in disease. Therefore, it has been classified as a Variant of Uncertain Significance.